The following is an entry in ClinVar:

ClinVar aggregate classification (germline): Uncertain significance. Review status: criteria provided, multiple submitters, no conflicts (2 of 4 stars). 2 submissions from 2 submitters: Uncertain significance (2). Last evaluated 2023-03-04.

Conditions:
Hereditary cancer-predisposing syndrome. Also called: Neoplastic Syndromes, Hereditary; Tumor predisposition; Hereditary neoplastic syndrome; Hereditary Cancer Syndrome. Identifiers: Orphanet 140162, MedGen C0027672, MeSH D009386, MONDO:0015356.
Tuberous sclerosis 2 (TSC2). Identifiers: Orphanet 805, MedGen C1860707, MONDO:0013199, OMIM 613254.

Submissions (2):

Ambry Genetics
Classification: Uncertain significance for Hereditary cancer-predisposing syndrome. Last evaluated: 2023-03-04. Review status: criteria provided, single submitter. Criteria: Ambry Variant Classification Scheme 2023. Collection method: clinical testing. Allele origin: germline.
Comment: The p.S1085A variant (also known as c.3253T>G), located in coding exon 27 of the TSC2 gene, results from a T to G substitution at nucleotide position 3253. The serine at codon 1085 is replaced by alanine, an amino acid with similar properties. This amino acid position is conserved. In addition, the in silico prediction for this alteration is inconclusive. Since supporting evidence is limited at this time, the clinical significance of this alteration remains unclear.

Labcorp Genetics (formerly Invitae), Labcorp
Classification: Uncertain significance for Tuberous sclerosis 2. Last evaluated: 2021-10-21. Review status: criteria provided, single submitter. Criteria: Invitae Variant Classification Sherloc (09022015). Collection method: clinical testing. Allele origin: germline.
Comment: In summary, the available evidence is currently insufficient to determine the role of this variant in disease. Therefore, it has been classified as a Variant of Uncertain Significance. Advanced modeling of protein sequence and biophysical properties (such as structural, functional, and spatial information, amino acid conservation, physicochemical variation, residue mobility, and thermodynamic stability) performed at Invitae indicates that this missense variant is not expected to disrupt TSC2 protein function. This variant has not been reported in the literature in individuals affected with TSC2-related conditions. This variant is not present in population databases (ExAC no frequency). This sequence change replaces serine with alanine at codon 1085 of the TSC2 protein (p.Ser1085Ala). The serine residue is moderately conserved and there is a moderate physicochemical difference between serine and alanine.

NM_000548.5(TSC2):c.3253T>G (p.Ser1085Ala)

Gene: TSC2 (TSC complex subunit 2; plus strand). Cytogenetic location: 16p13.3.
Variant type: single nucleotide variant.
Coding change: c.3253T>G on transcript NM_000548.5 (MANE Select); coding-DNA position 3253, T replaced by G.
Protein change: p.Ser1085Ala; replaces serine 1085 with alanine.
Molecular consequence: missense variant.
Genome position (GRCh38, 1-based): chr16:2,079,397, T>G. VCF-style: chr16-2079397-T-G. GRCh37 (hg19) VCF-style: chr16-2129398-T-G.
Other names: c.3253T>G (NM_000548.3); c.3121T>G, p.Ser1041Ala (NM_001077183.3, NM_001370404.1); c.3253T>G, p.Ser1085Ala (NM_001114382.3); c.3013T>G, p.Ser1005Ala (NM_001318827.2); c.2977T>G, p.Ser993Ala (NM_001318829.2); c.2521T>G, p.Ser841Ala (NM_001318831.2); c.3154T>G, p.Ser1052Ala (NM_001318832.2); c.3124T>G, p.Ser1042Ala (NM_001363528.2, NM_001370405.1, NM_021055.3); short protein forms S1005A, S1042A, S1085A, S993A, S1041A, S1052A, S841A.
Identifiers: ClinVar variation 1483522 (VCV001483522.7), dbSNP rs767655384, ClinGen allele CA394286150.